The following is an entry in ClinVar:

NM_007118.4(TRIO):c.1897C>G (p.Gln633Glu)

Gene: TRIO (trio Rho guanine nucleotide exchange factor; plus strand). Cytogenetic location: 5p15.2.
Variant type: single nucleotide variant.
Coding change: c.1897C>G on transcript NM_007118.4 (MANE Select); coding-DNA position 1897, C replaced by G.
Protein change: p.Gln633Glu; replaces glutamine 633 with glutamic acid.
Molecular consequence: missense variant. On other transcripts: non-coding transcript variant (1).
Genome position (GRCh38, 1-based): chr5:14,336,578, C>G. VCF-style: chr5-14336578-C-G. GRCh37 (hg19) VCF-style: chr5-14336687-C-G.
Other names: short protein forms Q633E.
Identifiers: ClinVar variation 989370 (VCV000989370.5), dbSNP rs1741439198, ClinGen allele CA359193312.

ClinVar aggregate classification (germline): Uncertain significance (1 of 4 stars; one submission).

Conditions:
Intellectual developmental disorder, autosomal dominant 63, with macrocephaly. Also called: MENTAL RETARDATION, AUTOSOMAL DOMINANT 63, WITH MACROCEPHALY. Identifiers: MedGen C5394205, MONDO:0032939, OMIM 618825.

Submission:

Illumina Laboratory Services, Illumina
Classification: Uncertain significance for Intellectual developmental disorder, autosomal dominant 63, with macrocephaly. Last evaluated: 2024-04-19. Review status: criteria provided, single submitter. Criteria: ISL SNV Classification Criteria 03 February 2026. Collection method: clinical testing. Allele origin: unknown.
Comment: The TRIO c.1897C>G p.(Gln633Glu) missense variant has not, to our knowledge, been reported in the peer-reviewed literature. This variant is not observed in version 2.1.1 or version 4.0.0 of the Genome Aggregation Database. Based on the available evidence, the c.1897C>G p.(Gln633Glu) variant is classified as a variant of uncertain significance for TRIO-related syndromic intellectual disability.

Literature cited by the submitters: PubMed 28796471; PubMed 36987741.